The following is an entry in ClinVar:

NM_001184.4(ATR):c.1172A>G (p.Tyr391Cys)

Gene: ATR (ATR checkpoint kinase; minus strand). Cytogenetic location: 3q23.
Variant type: single nucleotide variant.
Coding change: c.1172A>G on transcript NM_001184.4 (MANE Select); coding-DNA position 1172, A replaced by G.
Protein change: p.Tyr391Cys; replaces tyrosine 391 with cysteine.
Molecular consequence: missense variant.
Genome position (GRCh38, 1-based): chr3:142,561,420, T>C on the plus strand (A>G on the coding strand, the complement: ATR is on the minus strand). VCF-style: chr3-142561420-T-C. GRCh37 (hg19) VCF-style: chr3-142280262-T-C.
Other names: c.1172A>G, p.Tyr391Cys (NM_001354579.2); short protein forms Y391C.
Identifiers: ClinVar variation 1739876 (VCV001739876.2), dbSNP rs2108485449, ClinGen allele CA354823500.

ClinVar aggregate classification (germline): Uncertain significance (1 of 4 stars; one submission).

Conditions:
Inborn genetic diseases. Identifiers: MedGen C0950123, MeSH D030342.

Submission:

Ambry Genetics
Classification: Uncertain significance for Inborn genetic diseases. Last evaluated: 2022-07-17. Review status: criteria provided, single submitter. Criteria: Ambry Variant Classification Scheme 2023. Collection method: clinical testing. Allele origin: germline.
Comment: The p.Y391C variant (also known as c.1172A>G), located in coding exon 5 of the ATR gene, results from an A to G substitution at nucleotide position 1172. The tyrosine at codon 391 is replaced by cysteine, an amino acid with highly dissimilar properties. This amino acid position is conserved. In addition, this alteration is predicted to be tolerated by in silico analysis. Since supporting evidence is limited at this time, the clinical significance of this alteration remains unclear.